The following is an entry in ClinVar:

ClinVar aggregate classification (germline): Uncertain significance (1 of 4 stars; one submission).

Conditions:
Hereditary spastic paraplegia 3A (SPG3A). Also called: Spastic paraplegia 3A, autosomal dominant; SPASTIC PARAPLEGIA 3, AUTOSOMAL DOMINANT; FAMILIAL SPASTIC PARAPLEGIA, AUTOSOMAL DOMINANT, 1; SPG3; STRUMPELL DISEASE; Spastic Paraplegia 3A. Identifiers: Orphanet 100984, MedGen C2931355, MONDO:0008437, OMIM 182600.

Submission:

Labcorp Genetics (formerly Invitae), Labcorp
Classification: Uncertain significance for Hereditary spastic paraplegia 3A. Last evaluated: 2022-05-05. Review status: criteria provided, single submitter. Criteria: Invitae Variant Classification Sherloc (09022015). Collection method: clinical testing. Allele origin: germline.
Comment: This variant has not been reported in the literature in individuals affected with ATL1-related conditions. This variant is not present in population databases (gnomAD no frequency). This sequence change replaces glutamic acid, which is acidic and polar, with alanine, which is neutral and non-polar, at codon 60 of the ATL1 protein (p.Glu60Ala). In summary, the available evidence is currently insufficient to determine the role of this variant in disease. Therefore, it has been classified as a Variant of Uncertain Significance. Advanced modeling of protein sequence and biophysical properties (such as structural, functional, and spatial information, amino acid conservation, physicochemical variation, residue mobility, and thermodynamic stability) performed at Invitae indicates that this missense variant is not expected to disrupt ATL1 protein function.

NM_015915.5(ATL1):c.179A>C (p.Glu60Ala)

Gene: ATL1 (atlastin GTPase 1; plus strand). Cytogenetic location: 14q22.1.
Variant type: single nucleotide variant.
Coding change: c.179A>C on transcript NM_015915.5 (MANE Select); coding-DNA position 179, A replaced by C.
Protein change: p.Glu60Ala; replaces glutamic acid 60 with alanine.
Molecular consequence: missense variant.
Genome position (GRCh38, 1-based): chr14:50,587,975, A>C. VCF-style: chr14-50587975-A-C. GRCh37 (hg19) VCF-style: chr14-51054693-A-C.
Other names: c.179A>C, p.Glu60Ala (NM_001127713.1, NM_181598.4); short protein forms E60A.
Identifiers: ClinVar variation 2133976 (VCV002133976.4), dbSNP rs2504484865, ClinGen allele CA389665713.